The following is an entry in ClinVar:

NM_032043.3(BRIP1):c.2238C>A (p.Ile746=)

Gene: BRIP1 (BRCA1 interacting DNA helicase 1; minus strand). Cytogenetic location: 17q23.2.
Variant type: single nucleotide variant.
Coding change: c.2238C>A on transcript NM_032043.3 (MANE Select); coding-DNA position 2238, C replaced by A.
Protein change: p.Ile746=; no amino-acid change (isoleucine 746 retained).
Molecular consequence: synonymous variant.
Genome position (GRCh38, 1-based): chr17:61,744,451, G>T on the plus strand (C>A on the coding strand, the complement: BRIP1 is on the minus strand). VCF-style: chr17-61744451-G-T. GRCh37 (hg19) VCF-style: chr17-59821812-G-T.
Identifiers: ClinVar variation 241640 (VCV000241640.18), dbSNP rs876660416, ClinGen allele CA10583623.

ClinVar aggregate classification (germline): Conflicting classifications of pathogenicity. Review status: criteria provided, conflicting classifications (1 of 4 stars). 5 submissions from 5 submitters: Uncertain significance (1); Benign (1); Likely benign (3). Last evaluated 2025-06-08.

Conditions:
Familial cancer of breast. Also called: BREAST CANCER, FAMILIAL; Hereditary breast cancer; hereditary breast carcinoma. Identifiers: Orphanet 227535, MedGen C0346153, MONDO:0016419, OMIM 114480. Disease mechanism: loss of function.
Fanconi anemia complementation group J. Also called: BRIP1-Related Fanconi Anemia. Identifiers: Orphanet 84, MedGen C1836860, MONDO:0012187, OMIM 609054.
Hereditary cancer-predisposing syndrome. Also called: Neoplastic Syndromes, Hereditary; Tumor predisposition; Hereditary neoplastic syndrome; Hereditary Cancer Syndrome. Identifiers: Orphanet 140162, MedGen C0027672, MeSH D009386, MONDO:0015356.

Allele frequency attached by ClinVar (database versions not stated): TOPMed below 0.00001.

Submissions (5):

Labcorp Genetics (formerly Invitae), Labcorp
Classification: Likely benign for Familial cancer of breast; Fanconi anemia complementation group J. Last evaluated: 2025-06-08. Review status: criteria provided, single submitter. Criteria: Invitae Variant Classification Sherloc (09022015). Collection method: clinical testing. Allele origin: germline.

Myriad Genetics, Inc.
Classification: Benign for Familial cancer of breast. Last evaluated: 2024-09-03. Review status: criteria provided, single submitter. Criteria: Myriad Autosomal Dominant, Autosomal Recessive and X-Linked Classification Criteria (2023). Collection method: clinical testing. Allele origin: unknown.
Comment: This variant is considered benign. This variant is a silent/synonymous amino acid change and it is not expected to impact splicing.

GeneDx
Classification: Uncertain significance. Last evaluated: 2023-03-28. Review status: criteria provided, single submitter. Criteria: GeneDx Variant Classification Process June 2021. Collection method: clinical testing. Allele origin: germline. Affected: yes.
Comment: Not observed at significant frequency in large population cohorts (gnomAD); In silico analysis supports that this variant does not alter splicing; Has not been previously published as pathogenic or benign to our knowledge

Color Diagnostics, LLC DBA Color Health
Classification: Likely benign for Hereditary cancer-predisposing syndrome. Last evaluated: 2019-04-15. Review status: criteria provided, single submitter. Criteria: ACMG Guidelines, 2015. Collection method: clinical testing. Allele origin: germline.

Ambry Genetics
Classification: Likely benign for Hereditary cancer-predisposing syndrome. Last evaluated: 2015-01-09. Review status: criteria provided, single submitter. Criteria: Ambry Variant Classification Scheme 2023. Collection method: clinical testing. Allele origin: germline.